The following is an entry in ClinVar:

ClinVar aggregate classification (germline): Pathogenic (1 of 4 stars; one submission).

gnomAD v4.1: 12 of 1,613,480 alleles (0.00074%); highest among the groups gnomAD compares: East Asian, 0.0022%; no homozygotes.

Submission:

Labcorp Genetics (formerly Invitae), Labcorp
Classification: Pathogenic. Last evaluated: 2025-06-27. Review status: criteria provided, single submitter. Criteria: Invitae Variant Classification Sherloc (09022015). Collection method: clinical testing. Allele origin: germline.
Comment: This sequence change creates a premature translational stop signal (p.Arg1259*) in the PIK3C2A gene. It is expected to result in an absent or disrupted protein product. Loss-of-function variants in PIK3C2A are known to be pathogenic (PMID: 31034465). This variant is present in population databases (rs751934889, gnomAD 0.01%). This variant has not been reported in the literature in individuals affected with PIK3C2A-related conditions. For these reasons, this variant has been classified as Pathogenic.

Literature cited by the submitters: PubMed 31034465.

NM_002645.4(PIK3C2A):c.3775C>T (p.Arg1259Ter)

Gene: PIK3C2A (phosphatidylinositol-4-phosphate 3-kinase catalytic subunit type 2 alpha; minus strand). Cytogenetic location: 11p15.1.
Variant type: single nucleotide variant.
Coding change: c.3775C>T on transcript NM_002645.4 (MANE Select); coding-DNA position 3775, C replaced by T.
Protein change: p.Arg1259Ter; replaces arginine 1259 with a stop codon.
Molecular consequence: nonsense.
Genome position (GRCh38, 1-based): chr11:17,102,738, G>A on the plus strand (C>T on the coding strand, the complement: PIK3C2A is on the minus strand). VCF-style: chr11-17102738-G-A. GRCh37 (hg19) VCF-style: chr11-17124285-G-A.
Other names: c.3775C>T, p.Arg1259Ter (NM_001321378.2); c.2635C>T, p.Arg879Ter (NM_001321380.2); c.3607C>T, p.Arg1203Ter (NM_001386870.1); short protein forms R879*, R1203*, R1259*.
Identifiers: ClinVar variation 4703776 (VCV004703776.1).
Genomic context (GRCh38, chr11:17,102,738, plus strand): 5'-ACATCTGTGCATGTCCCAAAAACTTTCCAAAGTCAATGTGAAACATGTGTCCCGTGCTTC[G>A]AAGCATTATATTGTCATTGTGTCGATCACAGATGCCTAAAACATAGGTGGCTACACAGCA-3'